The following is an entry in ClinVar:

ClinVar aggregate classification (germline): Uncertain significance (1 of 4 stars; one submission).

Conditions:
Duchenne muscular dystrophy (DMD). Also called: MUSCULAR DYSTROPHY, PSEUDOHYPERTROPHIC PROGRESSIVE, DUCHENNE TYPE; Duchenne Muscular Dystrophy (DMD). Identifiers: Orphanet 98896, MedGen C0013264, MONDO:0010679, OMIM 310200.

Submission:

Labcorp Genetics (formerly Invitae), Labcorp
Classification: Uncertain significance for Duchenne muscular dystrophy. Last evaluated: 2024-09-29. Review status: criteria provided, single submitter. Criteria: Invitae Variant Classification Sherloc (09022015). Collection method: clinical testing. Allele origin: germline.
Comment: This sequence change replaces tryptophan, which is neutral and slightly polar, with cysteine, which is neutral and slightly polar, at codon 1075 of the DMD protein (p.Trp1075Cys). This variant is not present in population databases (gnomAD no frequency). This variant has not been reported in the literature in individuals affected with DMD-related conditions. Invitae Evidence Modeling of protein sequence and biophysical properties (such as structural, functional, and spatial information, amino acid conservation, physicochemical variation, residue mobility, and thermodynamic stability) indicates that this missense variant is not expected to disrupt DMD protein function with a negative predictive value of 95%. In summary, the available evidence is currently insufficient to determine the role of this variant in disease. Therefore, it has been classified as a Variant of Uncertain Significance.

NM_004006.3(DMD):c.3225G>T (p.Trp1075Cys)

Gene: DMD (dystrophin; minus strand). Cytogenetic location: Xp21.1.
Variant type: single nucleotide variant.
Coding change: c.3225G>T on transcript NM_004006.3 (MANE Select); coding-DNA position 3225, G replaced by T.
Protein change: p.Trp1075Cys; replaces tryptophan 1075 with cysteine.
Molecular consequence: missense variant.
Genome position (GRCh38, 1-based): chrX:32,464,637, C>A on the plus strand (G>T on the coding strand, the complement: DMD is on the minus strand). VCF-style: chrX-32464637-C-A. GRCh37 (hg19) VCF-style: chrX-32482754-C-A.
Other names: c.3201G>T, p.Trp1067Cys (NM_000109.4); c.3213G>T, p.Trp1071Cys (NM_004009.3); c.2856G>T, p.Trp952Cys (NM_004010.3); short protein forms W1071C, W952C, W1067C, W1075C.
Identifiers: ClinVar variation 3634843 (VCV003634843.2).